The following is an entry in ClinVar:

ClinVar aggregate classification (germline): Uncertain significance (1 of 4 stars; one submission).

Allele frequency attached by ClinVar (database versions not stated): gnomAD 0.00001 and 0.00005; TOPMed 0.00002; gnomAD exomes 0.00007 and 0.00018; ExAC 0.00022; 1000 Genomes Project 30x 0.00031; 1000 Genomes Project 0.00040.
gnomAD v4.1: 114 of 1,606,856 alleles (0.0071%); highest among the groups gnomAD compares: South Asian, 0.12%; 1 homozygote.

Submission:

Labcorp Genetics (formerly Invitae), Labcorp
Classification: Uncertain significance. Last evaluated: 2022-08-20. Review status: criteria provided, single submitter. Criteria: Invitae Variant Classification Sherloc (09022015). Collection method: clinical testing. Allele origin: germline.
Comment: This sequence change replaces proline, which is neutral and non-polar, with serine, which is neutral and polar, at codon 571 of the GPAA1 protein (p.Pro571Ser). This variant is present in population databases (rs564194070, gnomAD 0.1%), including at least one homozygous and/or hemizygous individual. This variant has not been reported in the literature in individuals affected with GPAA1-related conditions. ClinVar contains an entry for this variant (Variation ID: 1411613). Algorithms developed to predict the effect of missense changes on protein structure and function are either unavailable or do not agree on the potential impact of this missense change (SIFT: "Tolerated"; PolyPhen-2: "Possibly Damaging"; Align-GVGD: "Class C0"). In summary, the available evidence is currently insufficient to determine the role of this variant in disease. Therefore, it has been classified as a Variant of Uncertain Significance.

NM_003801.4(GPAA1):c.1711C>T (p.Pro571Ser)

Gene: GPAA1 (glycosylphosphatidylinositol anchor attachment 1; plus strand). Cytogenetic location: 8q24.3.
Variant type: single nucleotide variant.
Coding change: c.1711C>T on transcript NM_003801.4 (MANE Select); coding-DNA position 1711, C replaced by T.
Protein change: p.Pro571Ser; replaces proline 571 with serine.
Molecular consequence: missense variant.
Genome position (GRCh38, 1-based): chr8:144,085,970, C>T. VCF-style: chr8-144085970-C-T. GRCh37 (hg19) VCF-style: chr8-145140873-C-T.
Other names: short protein forms P571S.
Identifiers: ClinVar variation 1411613 (VCV001411613.3), dbSNP rs564194070, ClinGen allele CA4933244.